The following is an entry in ClinVar:

ClinVar aggregate classification (germline): Uncertain significance. Review status: criteria provided, multiple submitters, no conflicts (2 of 4 stars). 4 submissions from 4 submitters: Uncertain significance (2). 2 of the submissions do not count toward it. Last evaluated 2025-02-12.

Conditions:
Cohen syndrome (COH1). Also called: PEPPER SYNDROME; Cutis verticis gyrata, retinitis pigmentosa, and sensorineural deafness. Identifiers: Orphanet 193, MedGen C0265223, MONDO:0008999, OMIM 216550.
VPS13B-related disorder. Also called: VPS13B-related condition.
Inborn genetic diseases. Identifiers: MedGen C0950123, MeSH D030342.

Allele frequency attached by ClinVar (database versions not stated): gnomAD 0.00001; gnomAD exomes 0.00001 and 0.00002; TOPMed 0.00002.
gnomAD v4.1: 10 of 1,613,982 alleles (0.00062%); highest among the groups gnomAD compares: Admixed American, 0.013%; no homozygotes.

Submissions (4):

Ambry Genetics
Classification: Uncertain significance for Inborn genetic diseases. Last evaluated: 2025-02-12. Review status: criteria provided, single submitter. Criteria: Ambry Variant Classification Scheme 2023. Collection method: clinical testing. Allele origin: germline.

Labcorp Genetics (formerly Invitae), Labcorp
Classification: Uncertain significance for Cohen syndrome. Last evaluated: 2022-10-05. Review status: criteria provided, single submitter. Criteria: Invitae Variant Classification Sherloc (09022015). Collection method: clinical testing. Allele origin: germline.
Comment: This sequence change replaces asparagine, which is neutral and polar, with histidine, which is basic and polar, at codon 1833 of the VPS13B protein (p.Asn1833His). This variant is present in population databases (no rsID available, gnomAD 0.009%). This variant has not been reported in the literature in individuals affected with VPS13B-related conditions. ClinVar contains an entry for this variant (Variation ID: 946017). Advanced modeling of protein sequence and biophysical properties (such as structural, functional, and spatial information, amino acid conservation, physicochemical variation, residue mobility, and thermodynamic stability) performed at Invitae indicates that this missense variant is expected to disrupt VPS13B protein function. In summary, the available evidence is currently insufficient to determine the role of this variant in disease. Therefore, it has been classified as a Variant of Uncertain Significance.

PreventionGenetics, part of Exact Sciences
Classification: Uncertain significance for VPS13B-related condition. Last evaluated: 2024-08-05. Review status: no assertion criteria provided. Collection method: clinical testing. Allele origin: germline. Not counted in ClinVar's aggregate classification.
Comment: The VPS13B c.5422A>C variant is predicted to result in the amino acid substitution p.Asn1808His. To our knowledge, this variant has not been reported in the literature. This variant is reported in 0.0087% of alleles in individuals of Latino descent in gnomAD. At this time, the clinical significance of this variant is uncertain due to the absence of conclusive functional and genetic evidence.

Natera, Inc.
Classification: Uncertain significance for Cohen syndrome. Last evaluated: 2020-04-16. Review status: no assertion criteria provided. Collection method: clinical testing. Allele origin: germline. Not counted in ClinVar's aggregate classification.

NM_152564.5(VPS13B):c.5422A>C (p.Asn1808His)

Gene: VPS13B (vacuolar protein sorting 13 homolog B; plus strand). Cytogenetic location: 8q22.2.
Variant type: single nucleotide variant.
Coding change: c.5422A>C on transcript NM_152564.5 (MANE Select); coding-DNA position 5422, A replaced by C.
Protein change: p.Asn1808His; replaces asparagine 1808 with histidine.
Molecular consequence: missense variant.
Genome position (GRCh38, 1-based): chr8:99,642,012, A>C. VCF-style: chr8-99642012-A-C. GRCh37 (hg19) VCF-style: chr8-100654240-A-C.
Other names: c.5422A>C (NM_152564.4); c.5497A>C, p.Asn1833His (NM_017890.5); c.5497A>C (NM_017890.3); short protein forms N1833H, N1808H.
Identifiers: ClinVar variation 946017 (VCV000946017.9), dbSNP rs891967669, ClinGen allele CA183013549.